The following is an entry in ClinVar:

ClinVar aggregate classification (germline): Likely benign. Review status: reviewed by expert panel (3 of 4 stars). 2 submissions from 2 submitters: Likely benign (1). 1 of the submissions does not count toward it. Last evaluated 2024-06-24.

Conditions:
Hereditary thrombocytopenia and hematologic cancer predisposition syndrome. Identifiers: Orphanet 71290, MedGen CN281654, MONDO:0011071.

Allele frequency attached by ClinVar (database versions not stated): 1000 Genomes Project 0.01358; 1000 Genomes Project 30x 0.01437; gnomAD 0.01463 and 0.01560; TOPMed 0.01677.
gnomAD v4.1: 2,196 of 152,326 alleles (1.4%); highest among the groups gnomAD compares: African/African-American, 5%; 64 homozygotes.

Submissions (2):

ClinGen Myeloid Malignancy Variant Curation Expert Panel
Classification: Likely benign for Hereditary thrombocytopenia and hematologic cancer predisposition syndrome. Last evaluated: 2024-06-24. Review status: reviewed by expert panel. Criteria: ClinGen MyeloMalig ACMG Specifications v2. Collection method: curation. Allele origin: germline. Inheritance: Autosomal dominant inheritance.
Comment: MAF of 0.00001617(0.001617%, 11/68046 alleles) in the NFE subpopulation of the gnomAD 3.1.2 cohort is between 0.00015 (0.015%) and 0.0015 (0.15%) (BS1). This variant is detected in a homozygous state in an individual or in a population database 64 times (gnomAD 3.1.2) (BP2). This synonymous/intronic/UTR/frameshift variant has a SpliceAI score ≤ 0.20 (Donor Loss 0.01) (BP4). Evolutionary conservation prediction algorithms predict the site as not being conserved (PhyloP score -0.01 < 2.0 or the variant is the reference nucleotide in one primate and/or three mammal species) (BP7). In summary, this variant meets criteria to be classified as likely benign. ACMG/AMP criteria applied, as specified by the Myeloid Malignancy Variant Curation Expert Panel for RUNX1: BS1, BP2, BP4, BP7

GeneDx
Classification: Benign. Last evaluated: 2019-03-20. Review status: criteria provided, single submitter. Criteria: GeneDx Variant Classification Process June 2021. Collection method: clinical testing. Allele origin: germline. Affected: yes. Not counted in ClinVar's aggregate classification.

NM_001754.5(RUNX1):c.352-292T>C

Genes: RUNX1 (RUNX family transcription factor 1; minus strand), RUNX1-AS1 (RUNX1 antisense RNA 1; plus strand). Cytogenetic location: 21q22.12.
Variant type: single nucleotide variant.
Coding change: c.352-292T>C on transcript NM_001754.5 (MANE Select); 292 bases into the intron before coding-DNA position 352, T replaced by C.
Molecular consequence: intron variant.
Genome position (GRCh38, 1-based): chr21:34,881,005, A>G on the plus strand (T>C on the coding strand, the complement: RUNX1 is on the minus strand). VCF-style: chr21-34881005-A-G. GRCh37 (hg19) VCF-style: chr21-36253302-A-G.
Other names: c.271-292T>C (NM_001001890.3, NM_001122607.2).
Identifiers: ClinVar variation 1220767 (VCV001220767.4), dbSNP rs111271072, ClinGen allele CA320638298.
Genomic context (GRCh38, chr21:34,881,005, plus strand): 5'-TAACTCCAAAAACTGCAGTTACATTTGCACCAACCTAATACATTATGTATAACTATATGT[A>G]AATTTTCAAATAGTGACACATATACTAAATTTACCTCATAAAGCCATAGTAGGTCACATA-3'